The following is an entry in ClinVar:

NM_000368.5(TSC1):c.2905T>C (p.Leu969=)

Gene: TSC1 (TSC complex subunit 1; minus strand). Cytogenetic location: 9q34.13.
Variant type: single nucleotide variant.
Coding change: c.2905T>C on transcript NM_000368.5 (MANE Select); coding-DNA position 2905, T replaced by C.
Protein change: p.Leu969=; no amino-acid change (leucine 969 retained).
Molecular consequence: synonymous variant.
Genome position (GRCh38, 1-based): chr9:132,897,254, A>G on the plus strand (T>C on the coding strand, the complement: TSC1 is on the minus strand). VCF-style: chr9-132897254-A-G. GRCh37 (hg19) VCF-style: chr9-135772641-A-G.
Other names: c.2905T>C (NM_000368.4); c.2902T>C, p.Leu968= (NM_001162426.2); c.2752T>C, p.Leu918= (NM_001162427.2); c.2542T>C, p.Leu848= (NM_001362177.2).
Identifiers: ClinVar variation 1150840 (VCV001150840.11), dbSNP rs768350176, ClinGen allele CA467594421.

ClinVar aggregate classification (germline): Likely benign. Review status: criteria provided, multiple submitters, no conflicts (2 of 4 stars). 3 submissions from 3 submitters: Likely benign (3). Last evaluated 2024-07-10.

Conditions:
Tuberous sclerosis syndrome (TSC). Also called: Tuberous Sclerosis Complex; Tuberous sclerosis. Identifiers: Orphanet 805, MedGen C0041341, MONDO:0001734.
Hereditary cancer-predisposing syndrome. Also called: Hereditary Cancer Syndrome; Hereditary neoplastic syndrome; Neoplastic Syndromes, Hereditary; Tumor predisposition. Identifiers: Orphanet 140162, MedGen C0027672, MeSH D009386, MONDO:0015356.
Tuberous sclerosis 1 (TSC1). Identifiers: Orphanet 805, MedGen C1854465, MONDO:0008612, OMIM 191100.

Submissions (3):

All of Us Research Program, National Institutes of Health
Classification: Likely benign for Tuberous sclerosis syndrome. Last evaluated: 2024-07-10. Review status: criteria provided, single submitter. Criteria: ACMG Guidelines, 2015. Collection method: clinical testing. Allele origin: germline. Inheritance: Autosomal dominant inheritance. Observed: 1 variant allele, 1 heterozygote.
Comment: This study involves interpretation of variants in research participants for the purpose of population health screening. Participant phenotype was not available at the time of variant classification. Additional details can be found in publication PMID: 35346344, PMCID: PMC8962531

Ambry Genetics
Classification: Likely benign for Hereditary cancer-predisposing syndrome. Last evaluated: 2023-06-08. Review status: criteria provided, single submitter. Criteria: Ambry Variant Classification Scheme 2023. Collection method: clinical testing. Allele origin: germline.

Labcorp Genetics (formerly Invitae), Labcorp
Classification: Likely benign for Tuberous sclerosis 1. Last evaluated: 2022-09-03. Review status: criteria provided, single submitter. Criteria: Invitae Variant Classification Sherloc (09022015). Collection method: clinical testing. Allele origin: germline.